The following is an entry in ClinVar:

NM_000045.4(ARG1):c.330_347del (p.His111_Pro116del)

Genes: ARG1 (arginase 1; plus strand), MED23 (mediator complex subunit 23; minus strand). Cytogenetic location: 6q23.2.
Variant type: Deletion.
Coding change: c.330_347del on transcript NM_000045.4 (MANE Select); coding-DNA positions 330 to 347, 18 bases deleted (CCATGCCAGGGTCCACCC).
Protein change: p.His111_Pro116del.
Molecular consequence: inframe deletion. On other transcripts: non-coding transcript variant (1), intron variant (3).
Genome position (GRCh38, 1-based): chr6:131,581,243-131,581,260, CCATGCCAGGGTCCACCC deleted. VCF-style (leftmost placement, unchanged base first): chr6-131581242-GCCATGCCAGGGTCCACCC-G. GRCh37 (hg19) VCF-style: chr6-131902382-GCCATGCCAGGGTCCACCC-G.
Other names: c.354_371del, p.His119_Pro124del (NM_001244438.2); c.306-1817_306-1800del (NM_001369020.1); c.4077+6449_4077+6466del (NM_001270521.2); c.4095+6449_4095+6466del (NM_015979.4).
Identifiers: ClinVar variation 3382852 (VCV003382852.1).

ClinVar aggregate classification (germline): Uncertain significance (1 of 4 stars; one submission).

Conditions:
Arginase deficiency. Also called: Arginase 1 Deficiency; ARGININEMIA; ARG1 DEFICIENCY. Identifiers: Orphanet 90, MedGen C0268548, MONDO:0008814, OMIM 207800.

Submission:

Juno Genomics, Hangzhou Juno Genomics, Inc
Classification: Uncertain significance for Arginase deficiency. Review status: criteria provided, single submitter. Criteria: ACMG Guidelines, 2015. Collection method: clinical testing. Allele origin: germline. Affected: yes.
Comment: Absent from controls (or at extremely low frequency if recessive) in Genome Aggregation Database, Exome Sequencing Project, 1000 Genomes Project, or Exome Aggregation Consortium.;Protein length changes due to in-frame deletions/insertions in a non-repeat region or stop-loss variants.;Patient's phenotype or family history is highly specific for a disease with a single genetic etiology.